The following is an entry in ClinVar:

NM_002272.4(KRT4):c.*269A>G

Gene: KRT4 (keratin 4; minus strand). Cytogenetic location: 12q13.13.
Variant type: single nucleotide variant.
Coding change: c.*269A>G on transcript NM_002272.4 (MANE Select); 269 bases downstream of the stop codon, A replaced by G.
Molecular consequence: 3 prime UTR variant.
Genome position (GRCh38, 1-based): chr12:52,806,800, T>C on the plus strand (A>G on the coding strand, the complement: KRT4 is on the minus strand). VCF-style: chr12-52806800-T-C. GRCh37 (hg19) VCF-style: chr12-53200584-T-C.
Identifiers: ClinVar variation 66516 (VCV000066516.8), dbSNP rs2035879, ClinGen allele CA217237.
Genomic context (GRCh38, chr12:52,806,800, plus strand): 5'-AAGGGACATATGTGACCCCAATAATTCTGGAGATGACACTCCTGGTCATTTTCTTCTCTG[T>C]CCATGGGAGGTGAGAGGTCAGCTGACATCCTTCCCATTCCAGGTGGGTCACCAGGCCCAA-3'

ClinVar aggregate classification (germline): Benign. Review status: criteria provided, multiple submitters, no conflicts (2 of 4 stars). 4 submissions from 4 submitters: Benign (3). 1 of the submissions does not count toward it. Last evaluated 2018-11-12.

Conditions:
White sponge nevus 1. Also called: LEUKOKERATOSIS, HEREDITARY MUCOSAL. Identifiers: MedGen C4011926, MONDO:0008676, OMIM 193900.

Allele frequency attached by ClinVar (database versions not stated): TOPMed 0.82341; gnomAD 0.82793 and 0.82991; 1000 Genomes Project 30x 0.83635; 1000 Genomes Project 0.83706; gnomAD exomes 0.84393.

Submissions (4):

GeneDx
Classification: Benign. Last evaluated: 2018-11-12. Review status: criteria provided, single submitter. Criteria: GeneDx Variant Classification Process June 2021. Collection method: clinical testing. Allele origin: germline. Affected: yes.

Illumina Laboratory Services, Illumina
Classification: Benign for White sponge nevus 1. Last evaluated: 2018-01-13. Review status: criteria provided, single submitter. Criteria: ICSL Variant Classification Criteria 13 December 2019. Collection method: clinical testing. Allele origin: germline.
Comment: This variant was observed in the ICSL laboratory as part of a predisposition screen in an ostensibly healthy population. It had not been previously curated by ICSL or reported in the Human Gene Mutation Database (HGMD: prior to June 1st, 2018), and was therefore a candidate for classification through an automated scoring system. Utilizing variant allele frequency, disease prevalence and penetrance estimates, and inheritance mode, an automated score was calculated to assess if this variant is too frequent to cause the disease. Based on the score and internal cut-off values, a variant classified as benign is not then subjected to further curation. The score for this variant resulted in a classification of benign for this disease.

Breakthrough Genomics
Classification: Benign. Review status: criteria provided, single submitter. Criteria: ACMG Guidelines, 2015. Collection method: not provided. Allele origin: germline. Inheritance: Autosomal dominant inheritance. Affected: yes.

Epithelial Biology;  Institute of Medical Biology, Singapore
No classification provided. Review status: no classification provided. Collection method: not provided. Allele origin: not provided. Not counted in ClinVar's aggregate classification.